The following is an entry in ClinVar:

ClinVar aggregate classification (germline): Uncertain significance (1 of 4 stars; one submission).

Conditions:
Achondrogenesis, type IA (ACG1A). Identifiers: Orphanet 932, Orphanet 93299, MedGen C0265273, MONDO:0008701, OMIM 200600.

Allele frequency attached by ClinVar (database versions not stated): ExAC 0.00001; gnomAD 0.00001; gnomAD exomes 0.00001.
gnomAD v4.1: 8 of 1,613,760 alleles (0.0005%); highest among the groups gnomAD compares: Admixed American, 0.0067%; no homozygotes.

Submission:

Labcorp Genetics (formerly Invitae), Labcorp
Classification: Uncertain significance for Achondrogenesis, type IA. Last evaluated: 2022-07-14. Review status: criteria provided, single submitter. Criteria: Invitae Variant Classification Sherloc (09022015). Collection method: clinical testing. Allele origin: germline.
Comment: Algorithms developed to predict the effect of missense changes on protein structure and function are either unavailable or do not agree on the potential impact of this missense change (SIFT: "Not Available"; PolyPhen-2: "Probably Damaging"; Align-GVGD: "Not Available"). This sequence change replaces glycine, which is neutral and non-polar, with arginine, which is basic and polar, at codon 1523 of the TRIP11 protein (p.Gly1523Arg). This variant is present in population databases (rs775824447, gnomAD 0.009%). This variant has not been reported in the literature in individuals affected with TRIP11-related conditions. In summary, the available evidence is currently insufficient to determine the role of this variant in disease. Therefore, it has been classified as a Variant of Uncertain Significance.

NM_004239.4(TRIP11):c.4567G>A (p.Gly1523Arg)

Gene: TRIP11 (thyroid hormone receptor interactor 11; minus strand). Cytogenetic location: 14q32.12.
Variant type: single nucleotide variant.
Coding change: c.4567G>A on transcript NM_004239.4 (MANE Select); coding-DNA position 4567, G replaced by A.
Protein change: p.Gly1523Arg; replaces glycine 1523 with arginine.
Molecular consequence: missense variant.
Genome position (GRCh38, 1-based): chr14:92,000,099, C>T on the plus strand (G>A on the coding strand, the complement: TRIP11 is on the minus strand). VCF-style: chr14-92000099-C-T. GRCh37 (hg19) VCF-style: chr14-92466443-C-T.
Other names: c.4564G>A, p.Gly1522Arg (NM_001321851.1); short protein forms G1523R, G1522R.
Identifiers: ClinVar variation 1990665 (VCV001990665.3), dbSNP rs775824447, ClinGen allele CA7313414.
Genomic context (GRCh38, chr14:92,000,099, plus strand): 5'-GAAACACAACTGTCTTCTCCTGCATTGATTTAACTGCATTTAAAAGCTGATTTAACTCTC[C>T]AGTCTTGCCCTTTTGGAAAGAAAAAATTTTAGCTTTAAAAAACACACACACACACATATT-3'
Protein context (NP_004230.2, residues 1513-1533): LLKEKEQGKT[Gly1523Arg]ELNQLLNAVK